The following is an entry in ClinVar:

ClinVar aggregate classification (germline): Uncertain significance. Review status: criteria provided, multiple submitters, no conflicts (2 of 4 stars). 5 submissions from 5 submitters: Uncertain significance (3). 2 of the submissions do not count toward it. Last evaluated 2025-04-15.

Conditions:
Left ventricular noncompaction 1 (LVNC1). Also called: LEFT VENTRICULAR NONCOMPACTION 1 WITH OR WITHOUT CONGENITAL HEART DEFECTS. Identifiers: Orphanet 54260, MedGen C1858725, MONDO:0011403, OMIM 604169.
DTNA-related disorder. Also called: DTNA-related condition.

Allele frequency attached by ClinVar (database versions not stated): TOPMed 0.00002; gnomAD 0.00003.
gnomAD v4.1: 58 of 1,613,990 alleles (0.0036%); highest among the groups gnomAD compares: Non-Finnish European, 0.0046%; no homozygotes.

Submissions (5):

PreventionGenetics, part of Exact Sciences
Classification: Uncertain significance for DTNA-related condition. Last evaluated: 2025-04-15. Review status: criteria provided, single submitter. Criteria: ACMG Guidelines, 2015. Collection method: clinical testing. Allele origin: germline.
Comment: The DTNA c.937C>T variant is predicted to result in the amino acid substitution p.Arg313Cys. To our knowledge, this variant has not been reported in the literature. This variant is reported in 0.0062% of alleles in individuals of African descent in gnomAD. At this time, the clinical significance of this variant is uncertain due to the absence of conclusive functional and genetic evidence.

Labcorp Genetics (formerly Invitae), Labcorp
Classification: Uncertain significance for Left ventricular noncompaction 1. Last evaluated: 2025-02-17. Review status: criteria provided, single submitter. Criteria: Invitae Variant Classification Sherloc (09022015). Collection method: clinical testing. Allele origin: germline.
Comment: This sequence change replaces arginine, which is basic and polar, with cysteine, which is neutral and slightly polar, at codon 313 of the DTNA protein (p.Arg313Cys). This variant is present in population databases (rs536920784, gnomAD 0.01%). This variant has not been reported in the literature in individuals affected with DTNA-related conditions. ClinVar contains an entry for this variant (Variation ID: 1175060). Invitae Evidence Modeling of protein sequence and biophysical properties (such as structural, functional, and spatial information, amino acid conservation, physicochemical variation, residue mobility, and thermodynamic stability) indicates that this missense variant is not expected to disrupt DTNA protein function with a negative predictive value of 80%. In summary, the available evidence is currently insufficient to determine the role of this variant in disease. Therefore, it has been classified as a Variant of Uncertain Significance.

Ambry Genetics
Classification: Uncertain significance. Last evaluated: 2023-10-30. Review status: criteria provided, single submitter. Criteria: Ambry Variant Classification Scheme 2023. Collection method: clinical testing. Allele origin: germline.

Clinical Genetics DNA and cytogenetics Diagnostics Lab, Erasmus MC, Erasmus Medical Center
Classification: Uncertain significance. Review status: no assertion criteria provided. Collection method: clinical testing. Allele origin: germline. Affected: yes. Study: VKGL Data-share Consensus. Not counted in ClinVar's aggregate classification.

Diagnostic Laboratory, Department of Genetics, University Medical Center Groningen
Classification: Uncertain significance. Review status: no assertion criteria provided. Collection method: clinical testing. Allele origin: germline. Affected: yes. Study: VKGL Data-share Consensus. Not counted in ClinVar's aggregate classification.

NM_001386795.1(DTNA):c.937C>T (p.Arg313Cys)

Gene: DTNA (dystrobrevin alpha; plus strand). Cytogenetic location: 18q12.1.
Variant type: single nucleotide variant.
Coding change: c.937C>T on transcript NM_001386795.1 (MANE Select); coding-DNA position 937, C replaced by T.
Protein change: p.Arg313Cys; replaces arginine 313 with cysteine.
Molecular consequence: missense variant. On other transcripts: 5 prime UTR variant (4), intron variant (1).
Genome position (GRCh38, 1-based): chr18:34,820,851, C>T. VCF-style: chr18-34820851-C-T. GRCh37 (hg19) VCF-style: chr18-32400815-C-T.
Other names: c.937C>T (NM_001390.4, NM_032978.6); c.937C>T, p.Arg313Cys (NM_001386767.1, NM_001386768.1, NM_001386769.1 and 34 more transcripts); c.-18C>T (NM_032981.5, NM_001198942.1, NM_001198944.1 and 1 more transcripts); c.603+8738C>T (NM_001198945.2); c.187C>T, p.Arg63Cys (NM_001198943.1); short protein forms R313C, R63C.
Identifiers: ClinVar variation 1175060 (VCV001175060.12), dbSNP rs536920784, ClinGen allele CA8935495.
Genomic context (GRCh38, chr18:34,820,851, plus strand): 5'-AAATCACCTGCTAAGAAGCTGACTAATGCATTAAGCAAGTCCCTGAGCTGTGCTTCCAGC[C>T]GTGAACCTTTGCACCCCATGTTCCCAGATCAGCCTGAGAAGCCACTCAACTTGGCTCACA-3'
Protein context (NP_001373724.1, residues 303-323): LSKSLSCASS[Arg313Cys]EPLHPMFPDQ